The following is an entry in ClinVar:

NM_004168.4(SDHA):c.*4G>C

Gene: SDHA (succinate dehydrogenase complex flavoprotein subunit A; plus strand). Cytogenetic location: 5p15.33.
Variant type: single nucleotide variant.
Coding change: c.*4G>C on transcript NM_004168.4 (MANE Select); 4 bases downstream of the stop codon, G replaced by C.
Molecular consequence: 3 prime UTR variant.
Genome position (GRCh38, 1-based): chr5:256,424, G>C. VCF-style: chr5-256424-G-C. GRCh37 (hg19) VCF-style: chr5-256539-G-C.
Other names: c.*4G>C (NM_001294332.2, NM_001330758.2).
Identifiers: ClinVar variation 3904670 (VCV003904670.1).
Genomic context (GRCh38, chr5:256,424, plus strand): 5'-AAAACTTTGAACGAGGCTGACTGTGCCACCGTCCCGCCAGCCATTCGCTCCTACTGATGA[G>C]ACAAGATGTGGTGATGACAGAATCAGCTTTTGTAATTATGTATAATAGCTCATGCATGTG-3'

ClinVar aggregate classification (germline): Benign (1 of 4 stars; one submission).

Conditions:
Pheochromocytoma/paraganglioma syndrome 5. Also called: Paragangliomas 5; SDHA-Related Hereditary Paraganglioma-Pheochromocytoma Syndrome. Identifiers: Orphanet 29072, MedGen C3279992, MONDO:0013602, OMIM 614165.

Submission:

Myriad Genetics, Inc.
Classification: Benign for Pheochromocytoma/paraganglioma syndrome 5. Last evaluated: 2025-03-11. Review status: criteria provided, single submitter. Criteria: Myriad Autosomal Dominant, Autosomal Recessive and X-Linked Classification Criteria (2023). Collection method: clinical testing. Allele origin: unknown.
Comment: This variant is considered benign. This variant occurs in the non-coding 3' untranslated region of the gene, and is not expected to impact protein function.